The following is an entry in ClinVar:

ClinVar aggregate classification (germline): Likely benign (1 of 4 stars; one submission).

Conditions:
ABCB11-related disorder. Also called: ABCB11-related condition.

gnomAD v4.1: 1 of 1,590,420 alleles (0.000063%); highest among the groups gnomAD compares: South Asian, 0.0011%; no homozygotes.

Submission:

PreventionGenetics, part of Exact Sciences
Classification: Likely benign for ABCB11-related condition. Last evaluated: 2025-09-13. Review status: criteria provided, single submitter. Criteria: ACMG Guidelines, 2015. Collection method: clinical testing. Allele origin: germline.
Comment: This variant is classified as likely benign based on ACMG/AMP sequence variant interpretation guidelines (Richards et al. 2015 PMID: 25741868, with internal and published modifications).

NM_003742.4(ABCB11):c.1197+9A>G

Gene: ABCB11 (ATP binding cassette subfamily B member 11; minus strand). Cytogenetic location: 2q31.1.
Variant type: single nucleotide variant.
Coding change: c.1197+9A>G on transcript NM_003742.4 (MANE Select); 9 bases into the intron after coding-DNA position 1197, A replaced by G.
Molecular consequence: intron variant.
Genome position (GRCh38, 1-based): chr2:168,979,857, T>C on the plus strand (A>G on the coding strand, the complement: ABCB11 is on the minus strand). VCF-style: chr2-168979857-T-C. GRCh37 (hg19) VCF-style: chr2-169836367-T-C.
Identifiers: ClinVar variation 4993404 (VCV004993404.1).